The following is an entry in ClinVar:

NM_001852.4(COL9A2):c.619C>G (p.Gln207Glu)

Gene: COL9A2 (collagen type IX alpha 2 chain; minus strand). Cytogenetic location: 1p34.2.
Variant type: single nucleotide variant.
Coding change: c.619C>G on transcript NM_001852.4 (MANE Select); coding-DNA position 619, C replaced by G.
Protein change: p.Gln207Glu; replaces glutamine 207 with glutamic acid.
Molecular consequence: missense variant.
Genome position (GRCh38, 1-based): chr1:40,311,104, G>C on the plus strand (C>G on the coding strand, the complement: COL9A2 is on the minus strand). VCF-style: chr1-40311104-G-C. GRCh37 (hg19) VCF-style: chr1-40776776-G-C.
Other names: short protein forms Q207E.
Identifiers: ClinVar variation 4799885 (VCV004799885.1).

ClinVar aggregate classification (germline): Uncertain significance (1 of 4 stars; one submission).

gnomAD v4.1: 1 of 1,614,132 alleles (0.000062%); highest among the groups gnomAD compares: Non-Finnish European, 0.000085%; no homozygotes.

Submission:

Labcorp Genetics (formerly Invitae), Labcorp
Classification: Uncertain significance. Last evaluated: 2025-12-29. Review status: criteria provided, single submitter. Criteria: Invitae Variant Classification Sherloc (09022015). Collection method: clinical testing. Allele origin: germline.
Comment: This sequence change replaces glutamine, which is neutral and polar, with glutamic acid, which is acidic and polar, at codon 207 of the COL9A2 protein (p.Gln207Glu). This variant is present in population databases (no rsID available, gnomAD 0.0009%). This variant has not been reported in the literature in individuals affected with COL9A2-related conditions. Invitae Evidence Modeling of protein sequence and biophysical properties (such as structural, functional, and spatial information, amino acid conservation, physicochemical variation, residue mobility, and thermodynamic stability) indicates that this missense variant is not expected to disrupt COL9A2 protein function with a negative predictive value of 95%. In summary, the available evidence is currently insufficient to determine the role of this variant in disease. Therefore, it has been classified as a Variant of Uncertain Significance.